The following is an entry in ClinVar:

ClinVar aggregate classification (germline): Conflicting classifications of pathogenicity. Review status: criteria provided, conflicting classifications (1 of 4 stars). 6 submissions from 6 submitters: Uncertain significance (4); Likely benign (1). 1 of the submissions does not count toward it. Last evaluated 2024-09-18.

Conditions:
Hereditary cancer-predisposing syndrome. Also called: Tumor predisposition; Hereditary Cancer Syndrome; Neoplastic Syndromes, Hereditary; Hereditary neoplastic syndrome. Identifiers: Orphanet 140162, MedGen C0027672, MeSH D009386, MONDO:0015356.
Microcephaly, normal intelligence and immunodeficiency (NBS). Also called: IMMUNODEFICIENCY, MICROCEPHALY, AND CHROMOSOMAL INSTABILITY; SEEMANOVA SYNDROME II; Nijmegen breakage syndrome; Microcephaly with normal intelligence immunodeficiency and lymphoreticular malignancies; Nonsyndromal microcephaly autosomal recessive with normal intelligence; Seemanova syndrome 2. Identifiers: Orphanet 647, MedGen C0398791, MONDO:0009623, OMIM 251260.

Allele frequency attached by ClinVar (database versions not stated): ExAC 0.00001; TOPMed 0.00001; gnomAD exomes 0.00002 and 0.00001; ESP Exome Variant Server 0.00008; gnomAD 0.00001.
gnomAD v4.1: 11 of 1,614,004 alleles (0.00068%); highest among the groups gnomAD compares: Non-Finnish European, 0.00093%; no homozygotes.

Submissions (6):

Labcorp Genetics (formerly Invitae), Labcorp
Classification: Uncertain significance for Microcephaly, normal intelligence and immunodeficiency. Last evaluated: 2024-09-18. Review status: criteria provided, single submitter. Criteria: Invitae Variant Classification Sherloc (09022015). Collection method: clinical testing. Allele origin: germline.
Comment: This sequence change replaces valine, which is neutral and non-polar, with alanine, which is neutral and non-polar, at codon 364 of the NBN protein (p.Val364Ala). This variant is present in population databases (rs370229163, gnomAD 0.003%). This variant has not been reported in the literature in individuals affected with NBN-related conditions. ClinVar contains an entry for this variant (Variation ID: 127855). An algorithm developed to predict the effect of missense changes on protein structure and function outputs the following: PolyPhen-2: "Benign". The alanine amino acid residue is found in multiple mammalian species, which suggests that this missense change does not adversely affect protein function. In summary, the available evidence is currently insufficient to determine the role of this variant in disease. Therefore, it has been classified as a Variant of Uncertain Significance.

Ambry Genetics
Classification: Likely benign for Hereditary cancer-predisposing syndrome. Last evaluated: 2024-02-13. Review status: criteria provided, single submitter. Criteria: Ambry Variant Classification Scheme 2023. Collection method: clinical testing. Allele origin: germline.

GeneDx
Classification: Uncertain significance. Last evaluated: 2023-01-05. Review status: criteria provided, single submitter. Criteria: GeneDx Variant Classification Process June 2021. Collection method: clinical testing. Allele origin: germline. Affected: yes.
Comment: Not observed at significant frequency in large population cohorts (gnomAD); In silico analysis supports that this missense variant does not alter protein structure/function; Has not been previously published as pathogenic or benign to our knowledge

Genome-Nilou Lab
Classification: Uncertain significance for Microcephaly, normal intelligence and immunodeficiency. Last evaluated: 2021-11-07. Review status: criteria provided, single submitter. Criteria: ACMG Guidelines, 2015. Collection method: clinical testing. Allele origin: germline. Affected: no.

Genetic Services Laboratory, University of Chicago
Classification: Uncertain significance. Last evaluated: 2018-01-10. Review status: criteria provided, single submitter. Criteria: ACMG Guidelines, 2015. Collection method: clinical testing. Allele origin: germline. Affected: no.

Natera, Inc.
Classification: Uncertain significance for Nijmegen breakage syndrome. Last evaluated: 2020-09-16. Review status: no assertion criteria provided. Collection method: clinical testing. Allele origin: germline. Not counted in ClinVar's aggregate classification.

Literature cited by the submitters: PubMed 31214711 (cited by Ambry Genetics); PubMed 36346689 (cited by Ambry Genetics).

NM_002485.5(NBN):c.1091T>C (p.Val364Ala)

Gene: NBN (nibrin; minus strand). Cytogenetic location: 8q21.3.
Variant type: single nucleotide variant.
Coding change: c.1091T>C on transcript NM_002485.5 (MANE Select); coding-DNA position 1091, T replaced by C.
Protein change: p.Val364Ala; replaces valine 364 with alanine.
Molecular consequence: missense variant.
Genome position (GRCh38, 1-based): chr8:89,958,758, A>G on the plus strand (T>C on the coding strand, the complement: NBN is on the minus strand). VCF-style: chr8-89958758-A-G. GRCh37 (hg19) VCF-style: chr8-90970986-A-G.
Other names: p.V364A:GTA>GCA; c.845T>C, p.Val282Ala (NM_001024688.3); short protein forms V364A, V282A.
Identifiers: ClinVar variation 127855 (VCV000127855.26), dbSNP rs370229163, ClinGen allele CA287898.